The following is an entry in ClinVar:

ClinVar aggregate classification (germline): Uncertain significance (1 of 4 stars; one submission).

Conditions:
Leukocyte adhesion deficiency type II. Also called: Congenital disorder of glycosylation type 2C; CDG 2C; Leukocyte adhesion deficiency type 2; Rambam Hasharon syndrome; CONGENITAL DISORDER OF GLYCOSYLATION, TYPE IIc; CDG IIc. Identifiers: Orphanet 2968, Orphanet 99843, MedGen C0398739, MONDO:0009953, OMIM 266265.

Allele frequency attached by ClinVar (database versions not stated): TOPMed below 0.00001; gnomAD 0.00001; ExAC 0.00004.

Submission:

Labcorp Genetics (formerly Invitae), Labcorp
Classification: Uncertain significance for Leukocyte adhesion deficiency type II. Last evaluated: 2024-10-24. Review status: criteria provided, single submitter. Criteria: Invitae Variant Classification Sherloc (09022015). Collection method: clinical testing. Allele origin: germline.
Comment: This sequence change replaces alanine, which is neutral and non-polar, with serine, which is neutral and polar, at codon 306 of the SLC35C1 protein (p.Ala306Ser). This variant is present in population databases (rs771570016, gnomAD 0.04%). This variant has not been reported in the literature in individuals affected with SLC35C1-related conditions. ClinVar contains an entry for this variant (Variation ID: 2041792). Invitae Evidence Modeling of protein sequence and biophysical properties (such as structural, functional, and spatial information, amino acid conservation, physicochemical variation, residue mobility, and thermodynamic stability) indicates that this missense variant is not expected to disrupt SLC35C1 protein function with a negative predictive value of 80%. In summary, the available evidence is currently insufficient to determine the role of this variant in disease. Therefore, it has been classified as a Variant of Uncertain Significance.

NM_018389.5(SLC35C1):c.916G>T (p.Ala306Ser)

Gene: SLC35C1 (solute carrier family 35 member C1; plus strand). Cytogenetic location: 11p11.2.
Variant type: single nucleotide variant.
Coding change: c.916G>T on transcript NM_018389.5 (MANE Select); coding-DNA position 916, G replaced by T.
Protein change: p.Ala306Ser; replaces alanine 306 with serine.
Molecular consequence: missense variant.
Genome position (GRCh38, 1-based): chr11:45,811,156, G>T. VCF-style: chr11-45811156-G-T. GRCh37 (hg19) VCF-style: chr11-45832707-G-T.
Other names: c.877G>T, p.Ala293Ser (NM_001145265.2, NM_001145266.2); short protein forms A293S, A306S.
Identifiers: ClinVar variation 2041792 (VCV002041792.2), dbSNP rs771570016, ClinGen allele CA5958358.